The following is an entry in ClinVar:

ClinVar aggregate classification (germline): Pathogenic (1 of 4 stars; one submission).

Conditions:
Nemaline myopathy 2 (NEM2). Also called: Nemaline myopathy 2, autosomal recessive. Identifiers: MedGen C1850569, MONDO:0009725, OMIM 256030.

Submission:

Labcorp Genetics (formerly Invitae), Labcorp
Classification: Pathogenic for Nemaline myopathy 2. Last evaluated: 2021-08-07. Review status: criteria provided, single submitter. Criteria: Invitae Variant Classification Sherloc (09022015). Collection method: clinical testing. Allele origin: germline.
Comment: For these reasons, this variant has been classified as Pathogenic. The region of the NEB gene that includes exon(s) 55 has been determined to be clinically significant (PMID: 15221447, 19232495, 23715096). Therefore, deletions that encompass that region are likely to disrupt protein function and cause disease. This variant has not been reported in the literature in individuals with NEB-related conditions. Of note, a similar in-frame deletion of exons 14-89 has been observed to segregate with autosomal dominant myopathy in a family (PMID: 30679003). This variant is a gross deletion of the genomic region encompassing exon(s) 11-71 of the NEB gene. This variant would be expected to be in-frame, preserving the integrity of the reading frame.

Literature cited by the submitters: PubMed 15221447; PubMed 19232495; PubMed 23715096; PubMed 30679003.

NC_000002.11:g.(?_152482028)_(152567072_?)del

Gene: NEB (nebulin; minus strand). Cytogenetic location: 2q23.3.
Variant type: Deletion.
Identifiers: ClinVar variation 1457908 (VCV001457908.6).